The following is an entry in ClinVar:

ClinVar aggregate classification (germline): Pathogenic (1 of 4 stars; one submission).

Conditions:
Dilated cardiomyopathy 1O (CMD1O). Also called: CARDIOMYOPATHY, DILATED, WITH VENTRICULAR TACHYCARDIA. Identifiers: Orphanet 154, MedGen C1837839, MONDO:0012062, OMIM 608569.

Submission:

Labcorp Genetics (formerly Invitae), Labcorp
Classification: Pathogenic for Dilated cardiomyopathy 1O. Last evaluated: 2024-10-01. Review status: criteria provided, single submitter. Criteria: Invitae Variant Classification Sherloc (09022015). Collection method: clinical testing. Allele origin: germline.
Comment: This sequence change creates a premature translational stop signal (p.Gly1401Valfs*7) in the ABCC9 gene. It is expected to result in an absent or disrupted protein product. Loss-of-function variants in ABCC9 are known to be pathogenic (PMID: 31575858, 38217872). This variant is not present in population databases (gnomAD no frequency). This variant has not been reported in the literature in individuals affected with ABCC9-related conditions. ClinVar contains an entry for this variant (Variation ID: 666063). For these reasons, this variant has been classified as Pathogenic.

Literature cited by the submitters: PubMed 31575858; PubMed 38217872.

NM_020297.4(ABCC9):c.4202del (p.Gly1401fs)

Genes: ABCC9 (ATP binding cassette subfamily C member 9; minus strand), KCNJ8-AS1 (KCNJ8 antisense RNA 1; plus strand). Cytogenetic location: 12p12.1.
Variant type: Deletion.
Coding change: c.4202del on transcript NM_020297.4 (MANE Select); coding-DNA position 4202, one base deleted (G; older notation c.4202delG).
Protein change: p.Gly1401fs; shifts the reading frame from glycine 1401.
Molecular consequence: frameshift variant.
Genome position (GRCh38, 1-based): chr12:21,812,058, C deleted on the plus strand (G on the coding strand, the reverse complement: ABCC9 is on the minus strand); the first of 2 consecutive C bases (chr12:21,812,058-21,812,059); deleting either gives the same sequence. VCF-style (leftmost placement, unchanged base first): chr12-21812057-AC-A. GRCh37 (hg19) VCF-style: chr12-21964991-AC-A.
Other names: c.4202del, p.Gly1401fs (NM_001377273.1, NM_005691.4); c.3335del, p.Gly1112fs (NM_001377274.1); c.4202delG (NM_005691.3); short protein forms G1401fs, G1112fs.
Identifiers: ClinVar variation 666063 (VCV000666063.6), dbSNP rs1591950473, ClinGen allele CA915948594.